The following is an entry in ClinVar:

NM_000391.4(TPP1):c.1061T>C (p.Leu354Pro)

Gene: TPP1 (tripeptidyl peptidase 1; minus strand). Cytogenetic location: 11p15.4.
Variant type: single nucleotide variant.
Coding change: c.1061T>C on transcript NM_000391.4 (MANE Select); coding-DNA position 1061, T replaced by C.
Protein change: p.Leu354Pro; replaces leucine 354 with proline.
Molecular consequence: missense variant.
Genome position (GRCh38, 1-based): chr11:6,616,329, A>G on the plus strand (T>C on the coding strand, the complement: TPP1 is on the minus strand). VCF-style: chr11-6616329-A-G. GRCh37 (hg19) VCF-style: chr11-6637560-A-G.
Other names: short protein forms L354P.
Identifiers: ClinVar variation 3776028 (VCV003776028.1).

ClinVar aggregate classification (germline): Uncertain significance (1 of 4 stars; one submission).

Conditions:
Neuronal ceroid lipofuscinosis 2. Also called: JANSKY-BIELSCHOWSKY DISEASE NEURONAL CEROID LIPOFUSCINOSIS, LATE INFANTILE; TPP1-Related Neuronal Ceroid-Lipofuscinosis. Identifiers: Orphanet 168491, Orphanet 228349, Orphanet 79264, MedGen C1876161, MONDO:0008769, OMIM 204500.

Submission:

3billion
Classification: Uncertain significance for Neuronal ceroid lipofuscinosis 2. Last evaluated: 2023-08-07. Review status: criteria provided, single submitter. Criteria: ACMG Guidelines, 2015. Collection method: clinical testing. Allele origin: germline. Affected: yes.
Comment: The variant is not observed in the gnomAD v2.1.1 dataset. Predicted Consequence/Location: Missense variant In silico tool predictions suggest damaging effect of the variant on gene or gene product [REVEL: 0.90 (>=0.6, sensitivity 0.68 and specificity 0.92); 3Cnet: 1.00 (>=0.6, sensitivity 0.72 and precision 0.9)]. Therefore, this variant is classified as VUS according to the recommendation of ACMG/AMP guideline.